The following is an entry in ClinVar:

NM_001384140.1(PCDH15):c.4671+1480C>T

Gene: PCDH15 (protocadherin related 15; minus strand). Cytogenetic location: 10q21.1.
Variant type: single nucleotide variant.
Coding change: c.4671+1480C>T on transcript NM_001384140.1 (MANE Select); 1480 bases into the intron after coding-DNA position 4671, C replaced by T.
Molecular consequence: intron variant. On other transcripts: synonymous variant (2), 3 prime UTR variant (1).
Genome position (GRCh38, 1-based): chr10:53,809,076, G>A on the plus strand (C>T on the coding strand, the complement: PCDH15 is on the minus strand). VCF-style: chr10-53809076-G-A. GRCh37 (hg19) VCF-style: chr10-55568836-G-A.
Other names: c.4989C>T, p.Asn1663= (NM_001142769.4); c.*404C>T (NM_001142770.3); c.4968C>T, p.Asn1656= (NM_001354411.2); c.4476+1480C>T (NM_001354420.2); c.4605+1480C>T (NM_001354429.2); c.4482+1480C>T (NM_001142772.2); c.4497+1480C>T (NM_001142771.2).
Identifiers: ClinVar variation 4986588 (VCV004986588.1).

ClinVar aggregate classification (germline): Likely benign (1 of 4 stars; one submission).

Conditions:
PCDH15-related disorder. Also called: PCDH15-related condition; PCDH15-related disorders.

gnomAD v4.1: 14 of 1,613,572 alleles (0.00087%); highest among the groups gnomAD compares: African/African-American, 0.0027%; no homozygotes.

Submission:

PreventionGenetics, part of Exact Sciences
Classification: Likely benign for PCDH15-related condition. Last evaluated: 2026-03-27. Review status: criteria provided, single submitter. Criteria: ACMG Guidelines, 2015. Collection method: clinical testing. Allele origin: germline.
Comment: This variant is classified as likely benign based on ACMG/AMP sequence variant interpretation guidelines (Richards et al. 2015 PMID: 25741868, with internal and published modifications).